The following is an entry in ClinVar:

NM_206933.4(USH2A):c.14180G>A (p.Trp4727Ter)

Gene: USH2A (usherin; minus strand). Cytogenetic location: 1q41.
Variant type: single nucleotide variant.
Coding change: c.14180G>A on transcript NM_206933.4 (MANE Select); coding-DNA position 14180, G replaced by A.
Protein change: p.Trp4727Ter; replaces tryptophan 4727 with a stop codon.
Molecular consequence: nonsense.
Genome position (GRCh38, 1-based): chr1:215,650,755, C>T on the plus strand (G>A on the coding strand, the complement: USH2A is on the minus strand). VCF-style: chr1-215650755-C-T. GRCh37 (hg19) VCF-style: chr1-215824097-C-T.
Other names: short protein forms W4727*.
Identifiers: ClinVar variation 48429 (VCV000048429.19), dbSNP rs397517989, ClinGen allele CA262089.

ClinVar aggregate classification (germline): Pathogenic/Likely pathogenic. Review status: criteria provided, multiple submitters, no conflicts (2 of 4 stars). 9 submissions from 8 submitters: Pathogenic (6); Likely pathogenic (2). 1 of the submissions does not count toward it. Last evaluated 2025-11-27.

Conditions:
USH2A-related disorder. Also called: USH2A-related condition; USH2A-related disorders. Identifiers: MedGen CN239332.
Rare genetic deafness. Identifiers: Orphanet 96210, MedGen C5680250.
Usher syndrome type 2A. Also called: USHER SYNDROME, TYPE IIA; RETINAL DISEASE IN USHER SYNDROME TYPE IIA, MODIFIER OF. Identifiers: Orphanet 231178, Orphanet 886, MedGen C1848634, MONDO:0010169, OMIM 276901.
Retinitis pigmentosa 39 (RP39). Identifiers: Orphanet 791, MedGen C3151138, MONDO:0013436, OMIM 613809.

Submissions (9):

3billion
Classification: Pathogenic for Usher syndrome type 2A. Last evaluated: 2025-11-27. Review status: criteria provided, single submitter. Criteria: ACMG Guidelines, 2015. Collection method: clinical testing. Allele origin: germline. Affected: yes.
Comment: The variant is not observed in the gnomAD v4.1.0 dataset. Predicted Consequence/Location: Stop-gained (nonsense): predicted to result in a loss or disruption of normal protein function through nonsense-mediated decay (NMD) or protein truncation. Multiple pathogenic variants are reported downstream of the variant. The variant has been reported at least twice as pathogenic with clinical assertions and evidence for the classification (ClinVar ID: VCV000048429 /PMID: 25649381 /3billion dataset). Therefore, this variant is classified as Pathogenic according to the recommendation of ACMG/AMP guideline.

Victorian Clinical Genetics Services, Murdoch Childrens Research Institute
Classification: Pathogenic for Usher syndrome type 2A. Last evaluated: 2025-09-29. Review status: criteria provided, single submitter. Criteria: ACMG Guidelines, 2015. Collection method: clinical testing. Allele origin: germline. Affected: yes.
Comment: This variant is classified as Pathogenic. Evidence in support of pathogenic classification: Variant is predicted to cause nonsense-mediated decay (NMD) and loss of protein (premature termination codon is located at least 54 nucleotides upstream of the final exon-exon junction); Variant is present in gnomAD <0.01 for a recessive condition (v4: 1 heterozygote(s), 0 homozygote(s)); This variant has strong previous evidence of pathogenicity in unrelated individuals. This variant has been classified as likely pathogenic/pathogenic by multiple clinical laboratories in ClinVar; Other NMD-predicted variants comparable to the one identified in this case have very strong previous evidence for pathogenicity (DECIPHER). Additional information: This variant is heterozygous; This gene is associated with autosomal recessive disease; Loss of function is a known mechanism of disease in this gene and is associated with Usher syndrome, type 2A (MIM#276901) and retinitis pigmentosa (RP; MIM#6138093). Null variants are associated with Usher syndrome, while homozygous missense variants which lead to partially functional proteins typically cause non-syndromic RP (PMID: 20301515).

Baylor Genetics
Classification: Pathogenic for Retinitis pigmentosa 39. Last evaluated: 2024-03-18. Review status: criteria provided, single submitter. Criteria: ACMG Guidelines, 2015. Collection method: clinical testing. Allele origin: unknown.

Genome-Nilou Lab
Classification: Likely pathogenic for Retinitis pigmentosa 39. Last evaluated: 2023-11-04. Review status: criteria provided, single submitter. Criteria: ACMG Guidelines, 2015. Collection method: clinical testing. Allele origin: germline. Affected: no.

Genome-Nilou Lab
Classification: Likely pathogenic for Usher syndrome type 2A. Last evaluated: 2023-11-04. Review status: criteria provided, single submitter. Criteria: ACMG Guidelines, 2015. Collection method: clinical testing. Allele origin: germline. Affected: no.

Labcorp Genetics (formerly Invitae), Labcorp
Classification: Pathogenic. Last evaluated: 2023-08-04. Review status: criteria provided, single submitter. Criteria: Invitae Variant Classification Sherloc (09022015). Collection method: clinical testing. Allele origin: germline.
Comment: This sequence change creates a premature translational stop signal (p.Trp4727*) in the USH2A gene. It is expected to result in an absent or disrupted protein product. Loss-of-function variants in USH2A are known to be pathogenic (PMID: 10729113, 10909849, 20507924, 25649381). This variant is not present in population databases (gnomAD no frequency). This premature translational stop signal has been observed in individual(s) with Usher syndrome (PMID: 25649381, 29912909). In at least one individual the data is consistent with being in trans (on the opposite chromosome) from a pathogenic variant. ClinVar contains an entry for this variant (Variation ID: 48429). For these reasons, this variant has been classified as Pathogenic.

Blueprint Genetics
Classification: Pathogenic for USH2A-related disorders. Last evaluated: 2021-12-20. Review status: criteria provided, single submitter. Criteria: ACMG Guidelines, 2015. Collection method: clinical testing. Allele origin: germline. Affected: yes. Observed: 1 variant allele.

Laboratory for Molecular Medicine, Mass General Brigham Personalized Medicine
Classification: Pathogenic for Rare genetic deafness. Last evaluated: 2012-03-06. Review status: criteria provided, single submitter. Criteria: LMM Criteria. Collection method: clinical testing. Allele origin: germline. Inheritance: Autosomal recessive inheritance. Observed: 1 variant allele.
Comment: The Trp4727X variant in USH2A has not been reported in the literature nor previo usly identified by our laboratory. This nonsense variant leads to a premature te rmination codon at position 4727, which is predicted to lead to a truncated or a bsent protein. In summary, this variant meets our criteria to be classified as p athogenic.

Counsyl
Classification: Likely pathogenic for Usher syndrome type 2A; Retinitis pigmentosa 39. Last evaluated: 2018-05-11. Review status: no assertion criteria provided. Collection method: clinical testing. Allele origin: unknown. Not counted in ClinVar's aggregate classification.

Literature cited by the submitters: PubMed 25649381 (cited by 3 submitters); PubMed 20301515 (cited by Victorian Clinical Genetics Services, Murdoch Childrens Research Institute); PubMed 10729113 (cited by Labcorp Genetics (formerly Invitae), Labcorp); PubMed 10909849 (cited by Labcorp Genetics (formerly Invitae), Labcorp); PubMed 20507924 (cited by Labcorp Genetics (formerly Invitae), Labcorp); PubMed 29912909 (cited by Labcorp Genetics (formerly Invitae), Labcorp).